The following is an entry in ClinVar:

ClinVar aggregate classification (germline): Likely benign. Review status: criteria provided, multiple submitters, no conflicts (2 of 4 stars). 2 submissions from 2 submitters: Likely benign (2). Last evaluated 2023-08-01.

Submissions (2):

CeGaT Center for Human Genetics Tuebingen
Classification: Likely benign. Last evaluated: 2023-08-01. Review status: criteria provided, single submitter. Criteria: CeGaT Center For Human Genetics Tuebingen Variant Classification Criteria Version 2. Collection method: clinical testing. Allele origin: germline. Affected: yes. Observed: 1 variant allele.
Comment: COL4A1: PM2:Supporting, BP4, BP7

Labcorp Genetics (formerly Invitae), Labcorp
Classification: Likely benign. Last evaluated: 2022-10-10. Review status: criteria provided, single submitter. Criteria: Invitae Variant Classification Sherloc (09022015). Collection method: clinical testing. Allele origin: germline.

NM_001845.6(COL4A1):c.4800C>A (p.Ser1600=)

Gene: COL4A1 (collagen type IV alpha 1 chain; minus strand). Cytogenetic location: 13q34.
Variant type: single nucleotide variant.
Coding change: c.4800C>A on transcript NM_001845.6 (MANE Select); coding-DNA position 4800, C replaced by A.
Protein change: p.Ser1600=; no amino-acid change (serine 1600 retained).
Molecular consequence: synonymous variant.
Genome position (GRCh38, 1-based): chr13:110,152,462, G>T on the plus strand (C>A on the coding strand, the complement: COL4A1 is on the minus strand). VCF-style: chr13-110152462-G-T. GRCh37 (hg19) VCF-style: chr13-110804809-G-T.
Identifiers: ClinVar variation 1564585 (VCV001564585.32), dbSNP rs650724, ClinGen allele CA484788043.